The following is an entry in ClinVar:

ClinVar aggregate classification (germline): Uncertain significance (1 of 4 stars; one submission).

Submission:

Labcorp Genetics (formerly Invitae), Labcorp
Classification: Uncertain significance. Last evaluated: 2022-08-22. Review status: criteria provided, single submitter. Criteria: Invitae Variant Classification Sherloc (09022015). Collection method: clinical testing. Allele origin: germline.
Comment: This sequence change replaces serine, which is neutral and polar, with isoleucine, which is neutral and non-polar, at codon 721 of the ADGRV1 protein (p.Ser721Ile). This variant is not present in population databases (gnomAD no frequency). In summary, the available evidence is currently insufficient to determine the role of this variant in disease. Therefore, it has been classified as a Variant of Uncertain Significance. Algorithms developed to predict the effect of missense changes on protein structure and function are either unavailable or do not agree on the potential impact of this missense change (SIFT: "Deleterious"; PolyPhen-2: "Possibly Damaging"; Align-GVGD: "Class C15"). This variant has not been reported in the literature in individuals affected with ADGRV1-related conditions.

NM_032119.4(ADGRV1):c.2162G>T (p.Ser721Ile)

Gene: ADGRV1 (adhesion G protein-coupled receptor V1; plus strand). Cytogenetic location: 5q14.3.
Variant type: single nucleotide variant.
Coding change: c.2162G>T on transcript NM_032119.4 (MANE Select); coding-DNA position 2162, G replaced by T.
Protein change: p.Ser721Ile; replaces serine 721 with isoleucine.
Molecular consequence: missense variant. On other transcripts: non-coding transcript variant (1).
Genome position (GRCh38, 1-based): chr5:90,637,870, G>T. VCF-style: chr5-90637870-G-T. GRCh37 (hg19) VCF-style: chr5-89933687-G-T.
Other names: short protein forms S721I.
Identifiers: ClinVar variation 2003091 (VCV002003091.4), dbSNP rs748557286, ClinGen allele CA360384370.